The following is an entry in ClinVar:

ClinVar aggregate classification (germline): Uncertain significance. Review status: criteria provided, multiple submitters, no conflicts (2 of 4 stars). 2 submissions from 2 submitters: Uncertain significance (2). Last evaluated 2024-05-14.

Conditions:
Early Myoclonic Encephalopathy. Identifiers: MedGen C0270855.

Allele frequency attached by ClinVar (database versions not stated): TOPMed 0.00001; gnomAD exomes below 0.00001; gnomAD 0.00001.
gnomAD v4.1: 4 of 1,613,764 alleles (0.00025%); highest among the groups gnomAD compares: Admixed American, 0.0033%; no homozygotes.

Submissions (2):

ARUP Laboratories, Molecular Genetics and Genomics, ARUP Laboratories
Classification: Uncertain significance. Last evaluated: 2024-05-14. Review status: criteria provided, single submitter. Criteria: ARUP Molecular Germline Variant Investigation Process 2024. Collection method: clinical testing. Allele origin: germline.

Labcorp Genetics (formerly Invitae), Labcorp
Classification: Uncertain significance for Early Myoclonic Encephalopathy. Last evaluated: 2024-02-01. Review status: criteria provided, single submitter. Criteria: Invitae Variant Classification Sherloc (09022015). Collection method: clinical testing. Allele origin: germline.
Comment: This sequence change replaces arginine, which is basic and polar, with histidine, which is basic and polar, at codon 147 of the KCND2 protein (p.Arg147His). This variant is present in population databases (no rsID available, gnomAD 0.003%). This variant has not been reported in the literature in individuals affected with KCND2-related conditions. ClinVar contains an entry for this variant (Variation ID: 2196169). Advanced modeling of protein sequence and biophysical properties (such as structural, functional, and spatial information, amino acid conservation, physicochemical variation, residue mobility, and thermodynamic stability) has been performed at Invitae for this missense variant, however the output from this modeling did not meet the statistical confidence thresholds required to predict the impact of this variant on KCND2 protein function. In summary, the available evidence is currently insufficient to determine the role of this variant in disease. Therefore, it has been classified as a Variant of Uncertain Significance.

NM_012281.3(KCND2):c.440G>A (p.Arg147His)

Gene: KCND2 (potassium voltage-gated channel subfamily D member 2; plus strand). Cytogenetic location: 7q31.31.
Variant type: single nucleotide variant.
Coding change: c.440G>A on transcript NM_012281.3 (MANE Select); coding-DNA position 440, G replaced by A.
Protein change: p.Arg147His; replaces arginine 147 with histidine.
Molecular consequence: missense variant.
Genome position (GRCh38, 1-based): chr7:120,275,072, G>A. VCF-style: chr7-120275072-G-A. GRCh37 (hg19) VCF-style: chr7-119915126-G-A.
Other names: short protein forms R147H.
Identifiers: ClinVar variation 2196169 (VCV002196169.5), dbSNP rs1272908967, ClinGen allele CA369131614.